The following is an entry in ClinVar:

ClinVar aggregate classification (germline): Uncertain significance (1 of 4 stars; one submission).

gnomAD v4.1: 3 of 1,588,358 alleles (0.00019%); highest among the groups gnomAD compares: South Asian, 0.0012%; no homozygotes.

Submission:

Women's Health and Genetics/Laboratory Corporation of America, LabCorp
Classification: Uncertain significance. Last evaluated: 2024-10-04. Review status: criteria provided, single submitter. Criteria: LabCorp Variant Classification Summary - May 2015. Collection method: clinical testing. Allele origin: germline.
Comment: Variant summary: MYH14 c.2842G>T (p.Val948Leu) results in a conservative amino acid change located in the Myosin tail domain (IPR002928) of the encoded protein sequence. Five of five in-silico tools predict a benign effect of the variant on protein function. The variant allele was found at a frequency of 9.7e-06 in 205866 control chromosomes. The available data on variant occurrences in the general population are insufficient to allow any conclusion about variant significance. To our knowledge, no occurrence of c.2842G>T in individuals affected with Autosomal dominant nonsyndromic hearing loss 4A and no experimental evidence demonstrating its impact on protein function have been reported. No submitters have cited clinical-significance assessments for this variant to ClinVar. Based on the evidence outlined above, the variant was classified as uncertain significance.

NM_001145809.2(MYH14):c.2965G>T (p.Val989Leu)

Gene: MYH14 (myosin heavy chain 14; plus strand). Cytogenetic location: 19q13.33.
Variant type: single nucleotide variant.
Coding change: c.2965G>T on transcript NM_001145809.2 (MANE Select); coding-DNA position 2965, G replaced by T.
Protein change: p.Val989Leu; replaces valine 989 with leucine.
Molecular consequence: missense variant.
Genome position (GRCh38, 1-based): chr19:50,268,299, G>T. VCF-style: chr19-50268299-G-T. GRCh37 (hg19) VCF-style: chr19-50771556-G-T.
Other names: c.2866G>T, p.Val956Leu (NM_001077186.2); c.2842G>T, p.Val948Leu (NM_024729.4); short protein forms V948L, V956L, V989L.
Identifiers: ClinVar variation 3384922 (VCV003384922.1).